The following is an entry in ClinVar:

NM_172245.4(CSF2RA):c.676G>A (p.Val226Ile)

Gene: CSF2RA (colony stimulating factor 2 receptor subunit alpha; plus strand). Cytogenetic location: Xp22.33.
Variant type: single nucleotide variant.
Coding change: c.676G>A on transcript NM_172245.4 (MANE Select); coding-DNA position 676, G replaced by A.
Protein change: p.Val226Ile; replaces valine 226 with isoleucine.
Molecular consequence: missense variant. On other transcripts: synonymous variant (1), non-coding transcript variant (1), intron variant (1).
Genome position (GRCh38, 1-based): chrX:1,294,357, G>A. VCF-style: chrX-1294357-G-A. GRCh37 (hg19) VCF-style: chrX-1413250-G-A.
Other names: c.676G>A, p.Val226Ile (NM_001161529.2, NM_001161530.2, NM_001161531.2 and 18 more transcripts); c.277G>A, p.Val93Ile (NM_001161532.2); c.657G>A, p.Pro219= (NM_001379166.1); c.646+3848G>A (NM_172249.4); short protein forms V226I, V93I.
Identifiers: ClinVar variation 571570 (VCV000571570.12), dbSNP rs181719822, ClinGen allele CA10330944.
Genomic context (GRCh38, chrX:1,294,357, plus strand): 5'-TTCAGGGGTGTGTCCTGCGCCCTCGTTACAGAACGATTCAACCCTCCCAGCAATGTCACC[G>A]TACGTTGCAACACGACGCACTGCCTCGTACGGTGGAAACAGCCCAGGACCTATCAGAAGC-3'
Protein context (NP_758448.1, residues 216-236): ERFNPPSNVT[Val226Ile]RCNTTHCLVR

ClinVar aggregate classification (germline): Conflicting classifications of pathogenicity. Review status: criteria provided, conflicting classifications (1 of 4 stars). 4 submissions from 4 submitters: Uncertain significance (3); Likely benign (1). Last evaluated 2025-04-14.

Conditions:
Surfactant metabolism dysfunction, pulmonary, 4 (SMDP4). Also called: CSF2RA DEFICIENCY; PAP DUE TO CSF2RA DEFICIENCY; PULMONARY ALVEOLAR PROTEINOSIS, CONGENITAL, 4. Identifiers: Orphanet 264675, MedGen C2677877, MONDO:0010424, OMIM 300770.
CSF2RA-related disorder. Also called: CSF2RA-related condition.

Allele frequency attached by ClinVar (database versions not stated): 1000 Genomes Project 30x 0.00021; 1000 Genomes Project 0.00026; TOPMed 0.00028; gnomAD 0.00032 and 0.00033; ESP Exome Variant Server 0.00038; gnomAD exomes 0.00042 and 0.00055; ExAC 0.00054.
gnomAD v4.1: 670 of 1,613,760 alleles (0.042%); highest among the groups gnomAD compares: Admixed American, 0.08%; no homozygotes.

Submissions (4):

PreventionGenetics, part of Exact Sciences
Classification: Likely benign for CSF2RA-related condition. Last evaluated: 2025-04-14. Review status: criteria provided, single submitter. Criteria: ACMG Guidelines, 2015. Collection method: clinical testing. Allele origin: germline.
Comment: This variant is classified as likely benign based on ACMG/AMP sequence variant interpretation guidelines (Richards et al. 2015 PMID: 25741868, with internal and published modifications).

Labcorp Genetics (formerly Invitae), Labcorp
Classification: Uncertain significance for Surfactant metabolism dysfunction, pulmonary, 4. Last evaluated: 2022-09-19. Review status: criteria provided, single submitter. Criteria: Invitae Variant Classification Sherloc (09022015). Collection method: clinical testing. Allele origin: germline.
Comment: This sequence change replaces valine, which is neutral and non-polar, with isoleucine, which is neutral and non-polar, at codon 226 of the CSF2RA protein (p.Val226Ile). This variant is present in population databases (no rsID available, gnomAD 0.2%), and has an allele count higher than expected for a pathogenic variant. This variant has not been reported in the literature in individuals affected with CSF2RA-related conditions. ClinVar contains an entry for this variant (Variation ID: 571570). Advanced modeling of protein sequence and biophysical properties (such as structural, functional, and spatial information, amino acid conservation, physicochemical variation, residue mobility, and thermodynamic stability) performed at Invitae indicates that this missense variant is not expected to disrupt CSF2RA protein function. In summary, the available evidence is currently insufficient to determine the role of this variant in disease. Therefore, it has been classified as a Variant of Uncertain Significance.

Johns Hopkins Genomics, Johns Hopkins University
Classification: Uncertain significance for Surfactant metabolism dysfunction, pulmonary, 4. Last evaluated: 2019-04-22. Review status: criteria provided, single submitter. Criteria: ACMG Guidelines, 2015. Collection method: clinical testing. Allele origin: germline.
Comment: This CSF2RA variant (rs181719822) has been identified in large population datasets and the minor allele frequency is neither low enough to consider the variant rare (<0.1%) nor high enough to consider it a population polymorphism (>1%) within the Ashkenazi Jewish subpopulation (gnomAD: 17/10370 alleles; 0.16%, no homozygotes). This variant has not been reported in the literature to our knowledge and a single submitter in ClinVar classifies it as a variant of uncertain clinical significance. Two bioinformatic tools queried predict that this substitution would be tolerated. The valine residue at this position is absent from most species, however, it is highly evolutionarily conserved across the species where it is present. The clinical significance of c.676G>A is uncertain at this time.

Breakthrough Genomics
Classification: Uncertain significance. Review status: criteria provided, single submitter. Criteria: ACMG Guidelines, 2015. Collection method: not provided. Allele origin: germline. Inheritance: Unknown mechanism. Affected: yes.